The following is an entry in ClinVar:

ClinVar aggregate classification (germline): Uncertain significance. Review status: criteria provided, multiple submitters, no conflicts (2 of 4 stars). 3 submissions from 3 submitters: Uncertain significance (3). Last evaluated 2025-10-05.

Conditions:
Mucopolysaccharidosis, MPS-II (MPS2). Also called: Mucopolysaccharidosis type 2; IDS deficiency; Sulfoiduronate sulfatase deficiency; SIDS deficiency; Mucopolysaccharidosis with skin involvement; Attenuated MPS (subtype; formerly known as mild MPS II). Identifiers: Orphanet 580, Orphanet 79388, MedGen C0026705, MONDO:0010674, OMIM 309900.

Submissions (3):

Labcorp Genetics (formerly Invitae), Labcorp
Classification: Uncertain significance for Mucopolysaccharidosis, MPS-II. Last evaluated: 2025-10-05. Review status: criteria provided, single submitter. Criteria: Invitae Variant Classification Sherloc (09022015). Collection method: clinical testing. Allele origin: germline.
Comment: This sequence change replaces aspartic acid, which is acidic and polar, with asparagine, which is neutral and polar, at codon 104 of the IDS protein (p.Asp104Asn). This variant is present in population databases (no rsID available, gnomAD no frequency). This variant has not been reported in the literature in individuals affected with IDS-related conditions. ClinVar contains an entry for this variant (Variation ID: 3896211). Invitae Evidence Modeling of protein sequence and biophysical properties (such as structural, functional, and spatial information, amino acid conservation, physicochemical variation, residue mobility, and thermodynamic stability) indicates that this missense variant is not expected to disrupt IDS protein function with a negative predictive value of 80%. In summary, the available evidence is currently insufficient to determine the role of this variant in disease. Therefore, it has been classified as a Variant of Uncertain Significance.

Women's Health and Genetics/Laboratory Corporation of America, LabCorp
Classification: Uncertain significance. Last evaluated: 2025-04-17. Review status: criteria provided, single submitter. Criteria: LabCorp Variant Classification Summary - May 2015. Collection method: clinical testing. Allele origin: germline.
Comment: Variant summary: IDS c.310G>A (p.Asp104Asn) results in a conservative amino acid change in the encoded protein sequence. Three of five in-silico tools predict a benign effect of the variant on protein function. The variant allele was found at a frequency of 7.9e-06 in 126694 control chromosomes (gnomAD). The available data on variant occurrences in the general population are insufficient to allow any conclusion about variant significance. c.310G>A has been observed in a newborn screening case affected with Mucopolysaccharidosis Type II (Hunter Syndrome), as well as their unaffected brother (Burton_2023). This report does not provide unequivocal conclusions about association of the variant with Mucopolysaccharidosis Type II (Hunter Syndrome). To our knowledge, no experimental evidence demonstrating an impact on protein function has been reported. The following publication has been ascertained in the context of this evaluation (PMID: 36907694). No submitters have cited clinical-significance assessments for this variant to ClinVar. Based on the evidence outlined above, the variant was classified as uncertain significance.

Revvity Omics, Revvity
Classification: Uncertain significance for Mucopolysaccharidosis, MPS-II. Last evaluated: 2024-12-05. Review status: criteria provided, single submitter. Criteria: ACMG Guidelines, 2015. Collection method: clinical testing. Allele origin: germline.

Literature cited by the submitters: PubMed 36907694 (cited by Women's Health and Genetics/Laboratory Corporation of America, LabCorp).

NM_000202.8(IDS):c.310G>A (p.Asp104Asn)

Gene: IDS (iduronate 2-sulfatase; minus strand). Cytogenetic location: Xq28.
Variant type: single nucleotide variant.
Coding change: c.310G>A on transcript NM_000202.8 (MANE Select); coding-DNA position 310, G replaced by A.
Protein change: p.Asp104Asn; replaces aspartic acid 104 with asparagine.
Molecular consequence: missense variant. On other transcripts: non-coding transcript variant (1).
Genome position (GRCh38, 1-based): chrX:149,503,420, C>T on the plus strand (G>A on the coding strand, the complement: IDS is on the minus strand). VCF-style: chrX-149503420-C-T. GRCh37 (hg19) VCF-style: chrX-148584950-C-T.
Other names: c.40G>A, p.Asp14Asn (NM_001166550.4); c.310G>A, p.Asp104Asn (NM_006123.5); short protein forms D104N, D14N.
Identifiers: ClinVar variation 3896211 (VCV003896211.4).